The following is an entry in ClinVar:

NM_000044.6(AR):c.2227A>G (p.Met743Val)

Gene: AR (androgen receptor; plus strand). Cytogenetic location: Xq12.
Variant type: single nucleotide variant.
Coding change: c.2227A>G on transcript NM_000044.6 (MANE Select); coding-DNA position 2227, A replaced by G.
Protein change: p.Met743Val; replaces methionine 743 with valine.
Molecular consequence: missense variant.
Genome position (GRCh38, 1-based): chrX:67,717,531, A>G. VCF-style: chrX-67717531-A-G. GRCh37 (hg19) VCF-style: chrX-66937373-A-G.
Other names: c.2227A>G (NM_000044.2); c.631A>G, p.Met211Val (NM_001011645.3); short protein forms M211V, M743V.
Identifiers: ClinVar variation 1339111 (VCV001339111.3), dbSNP rs2147530802, ClinGen allele CA413424534.
Genomic context (GRCh38, chrX:67,717,531, plus strand): 5'-TCTCCAGGCTTCCGCAACTTACACGTGGACGACCAGATGGCTGTCATTCAGTACTCCTGG[A>G]TGGGGCTCATGGTGTTTGCCATGGGCTGGCGATCCTTCACCAATGTCAACTCCAGGATGC-3'
Protein context (NP_000035.2, residues 733-753): DQMAVIQYSW[Met743Val]GLMVFAMGWR

ClinVar aggregate classification (germline): Conflicting classifications of pathogenicity. Review status: criteria provided, conflicting classifications (1 of 4 stars). 2 submissions from 2 submitters: Pathogenic (1); Uncertain significance (1). Last evaluated 2023-11-22.

Conditions:
Androgen resistance syndrome (AIS). Also called: Androgen insensitivity, complete; ANDROGEN RECEPTOR DEFICIENCY; DIHYDROTESTOSTERONE RECEPTOR DEFICIENCY; Androgen insensitivity syndrome due to coactivator deficiency; Androgen insensitivity; TESTICULAR FEMINIZATION SYNDROME. Identifiers: Orphanet 754, Orphanet 99429, MedGen C0039585, MONDO:0019154, OMIM 300068. Disease mechanism: loss of function.

Submissions (2):

GeneDx
Classification: Pathogenic. Last evaluated: 2023-11-22. Review status: criteria provided, single submitter. Criteria: GeneDx Variant Classification Process June 2021. Collection method: clinical testing. Allele origin: germline. Affected: yes.
Comment: Published functional studies demonstrate this variant has detrimental affects to the function and localization of the protein (PMID: 31723170); Not observed at significant frequency in large population cohorts (gnomAD); Missense variants in this gene are a common cause of disease and they are underrepresented in the general population; In silico analysis supports that this missense variant has a deleterious effect on protein structure/function; This variant is associated with the following publications: (PMID: 10840043, 7970939, 12843171, 34689141, 36921044, 36017332, 11549642, 31723170, WANG2021[casereport])

Neuberg Centre For Genomic Medicine, NCGM
Classification: Uncertain significance for Androgen resistance syndrome. Review status: criteria provided, single submitter. Criteria: ACMG Guidelines, 2015. Collection method: clinical testing. Allele origin: germline. Affected: yes.
Comment: The missense variant p.M743V in AR (NM_000044.6) causes a change at the same amino acid residue as a previously established pathogenic variant M743K. The p.M743V variant is novel (not in any individuals) in gnomAD Exomes and is novel (not in any individuals) in 1000 Genomes. The p.M743V missense variant is predicted to be damaging by both SIFT and PolyPhen2. The methionine residue at codon 743 of AR is conserved in all mammalian species. The nucleotide c.2227 in AR is predicted conserved by GERP++ and PhyloP across 100 vertebrates. For these reasons, this variant has been classified as Uncertain Significance